The following is an entry in ClinVar:

ClinVar aggregate classification (germline): Uncertain significance (1 of 4 stars; one submission).

Conditions:
Wilson disease (WND). Also called: Wilson's disease. Identifiers: Orphanet 905, MedGen C0019202, MONDO:0010200, OMIM 277900. Disease mechanism: loss of function.

Allele frequency attached by ClinVar (database versions not stated): TOPMed below 0.00001.

Submission:

Labcorp Genetics (formerly Invitae), Labcorp
Classification: Uncertain significance for Wilson disease. Last evaluated: 2021-09-24. Review status: criteria provided, single submitter. Criteria: Invitae Variant Classification Sherloc (09022015). Collection method: clinical testing. Allele origin: germline.
Comment: This sequence change replaces glycine with cysteine at codon 1281 of the ATP7B protein (p.Gly1281Cys). The glycine residue is highly conserved and there is a large physicochemical difference between glycine and cysteine. This variant is not present in population databases (ExAC no frequency). This variant has been observed in individual(s) with Wilson disease (PMID: 18034201, 29321352). Advanced modeling of protein sequence and biophysical properties (such as structural, functional, and spatial information, amino acid conservation, physicochemical variation, residue mobility, and thermodynamic stability) performed at Invitae indicates that this missense variant is expected to disrupt ATP7B protein function. Algorithms developed to predict the effect of sequence changes on RNA splicing suggest that this variant may create or strengthen a splice site. In summary, the available evidence is currently insufficient to determine the role of this variant in disease. Therefore, it has been classified as a Variant of Uncertain Significance.

Literature cited by the submitters: PubMed 18034201; PubMed 29321352.

NM_000053.4(ATP7B):c.3841G>T (p.Gly1281Cys)

Gene: ATP7B (ATPase copper transporting beta; minus strand). Cytogenetic location: 13q14.3.
Variant type: single nucleotide variant.
Coding change: c.3841G>T on transcript NM_000053.4 (MANE Select); coding-DNA position 3841, G replaced by T.
Protein change: p.Gly1281Cys; replaces glycine 1281 with cysteine.
Molecular consequence: missense variant.
Genome position (GRCh38, 1-based): chr13:51,937,538, C>A on the plus strand (G>T on the coding strand, the complement: ATP7B is on the minus strand). VCF-style: chr13-51937538-C-A. GRCh37 (hg19) VCF-style: chr13-52511674-C-A.
Other names: c.3220G>T, p.Gly1074Cys (NM_001005918.3); c.3508G>T, p.Gly1170Cys (NM_001243182.2); c.3607G>T, p.Gly1203Cys (NM_001330578.2); c.3589G>T, p.Gly1197Cys (NM_001330579.2); short protein forms G1074C, G1197C, G1170C, G1203C, G1281C.
Identifiers: ClinVar variation 1407637 (VCV001407637.5), dbSNP rs1957043636, ClinGen allele CA388021731.